The following is an entry in ClinVar:

ClinVar aggregate classification (germline): Uncertain significance. Review status: criteria provided, multiple submitters, no conflicts (2 of 4 stars). 4 submissions from 4 submitters: Uncertain significance (3). 1 of the submissions does not count toward it. Last evaluated 2026-01-04.

Conditions:
Hereditary cancer-predisposing syndrome. Also called: Hereditary neoplastic syndrome; Neoplastic Syndromes, Hereditary; Tumor predisposition; Hereditary Cancer Syndrome. Identifiers: Orphanet 140162, MedGen C0027672, MeSH D009386, MONDO:0015356.
POLE-related disorder. Also called: POLE-related disorders; POLE-related condition.

Allele frequency attached by ClinVar (database versions not stated): gnomAD exomes 0.00001; gnomAD 0.00002; TOPMed 0.00003.

Submissions (4):

Labcorp Genetics (formerly Invitae), Labcorp
Classification: Uncertain significance. Last evaluated: 2026-01-04. Review status: criteria provided, single submitter. Criteria: Invitae Variant Classification Sherloc (09022015). Collection method: clinical testing. Allele origin: germline.
Comment: This sequence change replaces asparagine, which is neutral and polar, with histidine, which is basic and polar, at codon 633 of the POLE protein (p.Asn633His). This variant is present in population databases (no rsID available, gnomAD 0.02%). This variant has not been reported in the literature in individuals affected with POLE-related conditions. ClinVar contains an entry for this variant (Variation ID: 246267). Invitae Evidence Modeling of protein sequence and biophysical properties (such as structural, functional, and spatial information, amino acid conservation, physicochemical variation, residue mobility, and thermodynamic stability) indicates that this missense variant is expected to disrupt POLE protein function with a positive predictive value of 80%. In summary, the available evidence is currently insufficient to determine the role of this variant in disease. Therefore, it has been classified as a Variant of Uncertain Significance.

Ambry Genetics
Classification: Uncertain significance for Hereditary cancer-predisposing syndrome. Last evaluated: 2025-02-26. Review status: criteria provided, single submitter. Criteria: Ambry Variant Classification Scheme 2023. Collection method: clinical testing. Allele origin: germline.
Comment: The p.N633H variant (also known as c.1897A>C), located in coding exon 17 of the POLE gene, results from an A to C substitution at nucleotide position 1897. The asparagine at codon 633 is replaced by histidine, an amino acid with similar properties. This amino acid position is highly conserved in available vertebrate species. In addition, the in silico prediction for this alteration is inconclusive. Based on the available evidence, the clinical significance of this variant remains unclear.

GeneDx
Classification: Uncertain significance. Last evaluated: 2022-04-01. Review status: criteria provided, single submitter. Criteria: GeneDx Variant Classification Process June 2021. Collection method: clinical testing. Allele origin: germline. Affected: yes.
Comment: Not observed at significant frequency in large population cohorts (gnomAD); In silico analysis supports that this missense variant has a deleterious effect on protein structure/function; Has not been previously published as pathogenic or benign to our knowledge; This variant is associated with the following publications: (PMID: 20951805)

PreventionGenetics, part of Exact Sciences
Classification: Uncertain significance for POLE-related condition. Last evaluated: 2024-08-26. Review status: no assertion criteria provided. Collection method: clinical testing. Allele origin: germline. Not counted in ClinVar's aggregate classification.
Comment: The POLE c.1897A>C variant is predicted to result in the amino acid substitution p.Asn633His. To our knowledge, this variant has not been reported in the literature. This variant is reported in 0.016% of alleles in individuals of African descent in gnomAD. This variant has an interpretation of uncertain significance in ClinVar. At this time, the clinical significance of this variant is uncertain due to the absence of conclusive functional and genetic evidence.

NM_006231.4(POLE):c.1897A>C (p.Asn633His)

Gene: POLE (DNA polymerase epsilon, catalytic subunit; minus strand). Cytogenetic location: 12q24.33.
Variant type: single nucleotide variant.
Coding change: c.1897A>C on transcript NM_006231.4 (MANE Select); coding-DNA position 1897, A replaced by C.
Protein change: p.Asn633His; replaces asparagine 633 with histidine.
Molecular consequence: missense variant.
Genome position (GRCh38, 1-based): chr12:132,668,837, T>G on the plus strand (A>C on the coding strand, the complement: POLE is on the minus strand). VCF-style: chr12-132668837-T-G. GRCh37 (hg19) VCF-style: chr12-133245423-T-G.
Other names: short protein forms N633H.
Identifiers: ClinVar variation 246267 (VCV000246267.15), dbSNP rs141657198, ClinGen allele CA10584409.